The following is an entry in ClinVar:

ClinVar aggregate classification (germline): Likely benign (1 of 4 stars; one submission).

Conditions:
Arrhythmogenic right ventricular cardiomyopathy (ARVD). Also called: Arrhythmogenic right ventricular dysplasia; Cardiomyopathy, ARVC; Arrhythmogenic cardiomyopathy; Arrhythmogenic Right Ventricular Cardiomyopathy (ARVC). Identifiers: Orphanet 247, MedGen C0349788, MeSH D019571, MONDO:0016587. Disease mechanism: loss of function. Inheritance: Various modes of inheritance.

Submission:

All of Us Research Program, National Institutes of Health
Classification: Likely benign for Arrhythmogenic right ventricular cardiomyopathy. Last evaluated: 2023-09-04. Review status: criteria provided, single submitter. Criteria: ACMG Guidelines, 2015. Collection method: clinical testing. Allele origin: germline. Inheritance: Autosomal dominant inheritance. Observed: 1 variant allele, 1 heterozygote.
Comment: This study involves interpretation of variants in research participants for the purpose of population health screening. Participant phenotype was not available at the time of variant classification. Additional details can be found in publication PMID: 35346344, PMCID: PMC8962531

NM_001005242.3(PKP2):c.1379-2071G>C

Gene: PKP2 (plakophilin 2; minus strand). Cytogenetic location: 12p11.21.
Variant type: single nucleotide variant.
Coding change: c.1379-2071G>C on transcript NM_001005242.3 (MANE Select); 2071 bases into the intron before coding-DNA position 1379, G replaced by C.
Molecular consequence: intron variant. On other transcripts: synonymous variant (2).
Genome position (GRCh38, 1-based): chr12:32,843,276, C>G on the plus strand (G>C on the coding strand, the complement: PKP2 is on the minus strand). VCF-style: chr12-32843276-C-G. GRCh37 (hg19) VCF-style: chr12-32996210-C-G.
Other names: c.1416G>C, p.Pro472= (NM_001407157.1, NM_004572.4); c.1379-2071G>C (NM_001407156.1, NM_001407155.1, NM_001407161.1); c.1052-2071G>C (NM_001407160.1, NM_001407159.1, NM_001407158.1 and 1 more transcripts).
Identifiers: ClinVar variation 3073329 (VCV003073329.1), dbSNP rs776244945, ClinGen allele CA479177811.
Genomic context (GRCh38, chr12:32,843,276, plus strand): 5'-CGTGATCCGCCCGCCTTGGCCTCCCAAAGTGCTGGGATTACAGGCGTGAGCCACCGCGCC[C>G]GGCCAGCCATTCCTACTTCTTAAATTGACTGTATGGTCTGTACAAAGGAAAGAGGAAGCA-3'